The following is an entry in ClinVar:

ClinVar aggregate classification (germline): Uncertain significance (1 of 4 stars; one submission).

Conditions:
Developmental and epileptic encephalopathy, 14 (DEE14). Also called: Early infantile epileptic encephalopathy 14. Identifiers: Orphanet 293181, MedGen C3554195, MONDO:0013989, OMIM 614959.
Autosomal dominant nocturnal frontal lobe epilepsy 5. Also called: Epilepsy, nocturnal frontal lobe, 5; KCNT1-Related Epilepsy; CILIARY DYSKINESIA, PRIMARY, 28, WITHOUT SITUS INVERSUS; CILIARY DYSKINESIA, PRIMARY, 28, WITH SITUS INVERSUS. Identifiers: Orphanet 98784, MedGen C3554306, MONDO:0014002, OMIM 615005.

Submission:

Labcorp Genetics (formerly Invitae), Labcorp
Classification: Uncertain significance for Autosomal dominant nocturnal frontal lobe epilepsy 5; Developmental and epileptic encephalopathy, 14. Last evaluated: 2023-11-11. Review status: criteria provided, single submitter. Criteria: Invitae Variant Classification Sherloc (09022015). Collection method: clinical testing. Allele origin: unknown.
Comment: This variant is a gross deletion of the genomic region encompassing exon(s) 18 of the KCNT1 gene. This deletion is out-of-frame, and is expected to create a premature translational stop signal and result in an absent or disrupted protein product. However, the current clinical and genetic evidence is not sufficient to establish whether loss-of-function variants in KCNT1 cause disease. This variant has not been reported in the literature in individuals affected with KCNT1-related conditions. In summary, the available evidence is currently insufficient to determine the role of this variant in disease. Therefore, it has been classified as a Variant of Uncertain Significance.

NC_000009.11:g.(?_138662683)_(138662961_?)del

Gene: KCNT1 (potassium sodium-activated channel subfamily T member 1; plus strand). Cytogenetic location: 9q34.3.
Variant type: Deletion.
Identifiers: ClinVar variation 3245252 (VCV003245252.1).